The following is an entry in ClinVar:

ClinVar aggregate classification (germline): Uncertain significance (1 of 4 stars; one submission).

Conditions:
Brugada syndrome 5 (BRGDA5). Identifiers: Orphanet 130, Orphanet 871, MedGen C2748541, MONDO:0013015, OMIM 612838.

Submission:

Labcorp Genetics (formerly Invitae), Labcorp
Classification: Uncertain significance for Brugada syndrome 5. Last evaluated: 2024-10-27. Review status: criteria provided, single submitter. Criteria: Invitae Variant Classification Sherloc (09022015). Collection method: clinical testing. Allele origin: germline.
Comment: This sequence change replaces arginine, which is basic and polar, with threonine, which is neutral and polar, at codon 229 of the SCN1B protein (p.Arg229Thr). This variant is not present in population databases (gnomAD no frequency). This variant has not been reported in the literature in individuals affected with SCN1B-related conditions. ClinVar contains an entry for this variant (Variation ID: 1023790). An algorithm developed to predict the effect of missense changes on protein structure and function (PolyPhen-2) suggests that this variant is likely to be tolerated. In summary, the available evidence is currently insufficient to determine the role of this variant in disease. Therefore, it has been classified as a Variant of Uncertain Significance.

NM_001037.5(SCN1B):c.448+238G>C

Gene: SCN1B (sodium voltage-gated channel beta subunit 1; plus strand). Cytogenetic location: 19q13.11.
Variant type: single nucleotide variant.
Coding change: c.448+238G>C on transcript NM_001037.5 (MANE Select); 238 bases into the intron after coding-DNA position 448, G replaced by C.
Molecular consequence: intron variant. On other transcripts: missense variant (1).
Genome position (GRCh38, 1-based): chr19:35,033,977, G>C. VCF-style: chr19-35033977-G-C. GRCh37 (hg19) VCF-style: chr19-35524881-G-C.
Other names: c.686G>C, p.Arg229Thr (NM_199037.5); c.349+238G>C (NM_001321605.2); short protein forms R229T.
Identifiers: ClinVar variation 1023790 (VCV001023790.9), dbSNP rs2064232510, ClinGen allele CA405329636.